The following is an entry in ClinVar:

NM_001364905.1(LRBA):c.6575G>A (p.Arg2192His)

Gene: LRBA (LPS responsive beige-like anchor protein; minus strand). Cytogenetic location: 4q31.3.
Variant type: single nucleotide variant.
Coding change: c.6575G>A on transcript NM_001364905.1 (MANE Select); coding-DNA position 6575, G replaced by A.
Protein change: p.Arg2192His; replaces arginine 2192 with histidine.
Molecular consequence: missense variant.
Genome position (GRCh38, 1-based): chr4:150,471,716, C>T on the plus strand (G>A on the coding strand, the complement: LRBA is on the minus strand). VCF-style: chr4-150471716-C-T. GRCh37 (hg19) VCF-style: chr4-151392868-C-T.
Other names: c.6575G>A, p.Arg2192His (NM_001199282.3, NM_001367550.1); c.6608G>A, p.Arg2203His (NM_006726.5); short protein forms R2203H, R2192H.
Identifiers: ClinVar variation 570026 (VCV000570026.8), dbSNP rs372513836, ClinGen allele CA3101869.

ClinVar aggregate classification (germline): Uncertain significance. Review status: criteria provided, multiple submitters, no conflicts (2 of 4 stars). 2 submissions from 2 submitters: Uncertain significance (2). Last evaluated 2025-08-29.

Conditions:
Inborn genetic diseases. Identifiers: MedGen C0950123, MeSH D030342.
Combined immunodeficiency due to LRBA deficiency. Also called: Common variable immunodeficiency 8, with autoimmunity. Identifiers: Orphanet 445018, MedGen C3553512, MONDO:0013863, OMIM 614700.

Allele frequency attached by ClinVar (database versions not stated): gnomAD 0.00001; gnomAD exomes 0.00002 and 0.00003; ExAC 0.00004; TOPMed 0.00004; ESP Exome Variant Server 0.00008.
gnomAD v4.1: 34 of 1,588,850 alleles (0.0021%); highest among the groups gnomAD compares: South Asian, 0.0034%; no homozygotes.

Submissions (2):

Labcorp Genetics (formerly Invitae), Labcorp
Classification: Uncertain significance for Combined immunodeficiency due to LRBA deficiency. Last evaluated: 2025-08-29. Review status: criteria provided, single submitter. Criteria: Invitae Variant Classification Sherloc (09022015). Collection method: clinical testing. Allele origin: germline.
Comment: This sequence change replaces arginine, which is basic and polar, with histidine, which is basic and polar, at codon 2203 of the LRBA protein (p.Arg2203His). This variant is present in population databases (rs372513836, gnomAD 0.007%). This variant has not been reported in the literature in individuals affected with LRBA-related conditions. ClinVar contains an entry for this variant (Variation ID: 570026). Invitae Evidence Modeling of protein sequence and biophysical properties (such as structural, functional, and spatial information, amino acid conservation, physicochemical variation, residue mobility, and thermodynamic stability) indicates that this missense variant is not expected to disrupt LRBA protein function with a negative predictive value of 80%. In summary, the available evidence is currently insufficient to determine the role of this variant in disease. Therefore, it has been classified as a Variant of Uncertain Significance.

Ambry Genetics
Classification: Uncertain significance for Inborn genetic diseases. Last evaluated: 2021-07-13. Review status: criteria provided, single submitter. Criteria: Ambry Variant Classification Scheme 2023. Collection method: clinical testing. Allele origin: germline.